The following is an entry in ClinVar:

ClinVar aggregate classification (germline): Conflicting classifications of pathogenicity. Review status: criteria provided, conflicting classifications (1 of 4 stars). 4 submissions from 3 submitters: Pathogenic (1); Uncertain significance (3). Last evaluated 2026-05-14.

Conditions:
Tangier disease (TGD). Also called: Cholesterol thesaurismosis; HIGH DENSITY LIPOPROTEIN DEFICIENCY, TANGIER TYPE; HIGH DENSITY LIPOPROTEIN DEFICIENCY, TYPE 1. Identifiers: Orphanet 31150, MedGen C0039292, MONDO:0008783, OMIM 205400.
Hypoalphalipoproteinemia, primary, 1. Identifiers: Orphanet 425, MedGen C5231558, MONDO:0011393, OMIM 604091.
Cardiovascular phenotype. Identifiers: MedGen CN230736.

Allele frequency attached by ClinVar (database versions not stated): gnomAD exomes 0.00001 and 0.00003; TOPMed 0.00001; ExAC 0.00001; gnomAD 0.00001.
gnomAD v4.1: 19 of 1,614,082 alleles (0.0012%); highest among the groups gnomAD compares: Non-Finnish European, 0.0016%; no homozygotes.

Submissions (4):

Ambry Genetics
Classification: Uncertain significance for Cardiovascular phenotype. Last evaluated: 2026-05-14. Review status: criteria provided, single submitter. Criteria: Ambry Variant Classification Scheme 2023. Collection method: clinical testing. Allele origin: germline.
Comment: The p.S1731C variant (also known as c.5192C>G), located in coding exon 37 of the ABCA1 gene, results from a C to G substitution at nucleotide position 5192. The serine at codon 1731 is replaced by cysteine, an amino acid with dissimilar properties. This variant was identified in one or more individuals with features consistent with ABCA1-related HDL deficiency (Cohen JC et al. Science, 2004 Aug;305:869-72; Brunham LR et al. PLoS Genet, 2005 Dec;1:e83; Kiss RS et al. Arterioscler Thromb Vasc Biol, 2007 May;27:1139-45) and segregated with disease in some family members in at least one family; however, some unaffected individuals were also identified to have this variant (Alrasadi K et al. Atherosclerosis, 2006 Oct;188:281-91; Reddy MV et al. Circ Cardiovasc Genet, 2012 Oct;5:538-46). In multiple assays testing ABCA1 function, this variant showed functionally abnormal results (Cohen JC et al. Science, 2004 Aug;305:869-72; Brunham LR et al. PLoS Genet, 2005 Dec;1:e83; Kiss RS et al. Arterioscler Thromb Vasc Biol, 2007 May;27:1139-45). This amino acid position is highly conserved in available vertebrate species. In addition, this alteration is predicted to be deleterious by in silico analysis. Based on the available evidence, the clinical significance of this variant remains unclear.

Women's Health and Genetics/Laboratory Corporation of America, LabCorp
Classification: Uncertain significance. Last evaluated: 2023-08-08. Review status: criteria provided, single submitter. Criteria: LabCorp Variant Classification Summary - May 2015. Collection method: clinical testing. Allele origin: germline.
Comment: Variant summary: ABCA1 c.5192C>G (p.Ser1731Cys) results in a non-conservative amino acid change located in the ABC-2 type transporter, transmembrane domain (IPR013525) of the encoded protein sequence. Five of five in-silico tools predict a damaging effect of the variant on protein function. The variant allele was found at a frequency of 2.8e-05 in 250852 control chromosomes (gnomAD). c.5192C>G has been reported in the literature in multiple individuals with Familial Hypoalphalipoproteinemia (e.g. Cohen_2004, Alrasadi_2006, Reddy_2012), predominately from several French Canadian families; however in these families the variant is observed with low penetrance and in cases where other variant(s) are suspected to be involved in the manifestation of the phenotype (Alrasadi_2006, Reddy_2012). As a result, no conclusions indicating a strong penetrant association of the variant with Familial Hypoalphalipoproteinemia can be drawn from these data. At least one publication reports experimental evidence evaluating an impact on protein function in vitro and found the variant results in impaired cholesterol efflux, approximately 30-50% compared to that of the WT protein (Kiss_2007). The following publications have been ascertained in the context of this evaluation (PMID: 16343503, 11238261, 15297675, 32041611, 17303779, 22923419). There have been two clinical-significance assessments submitted for this variant to ClinVar after 2014. One classified the variant as pathogenic and the other classified the variant as uncertain significance. Based on the evidence outlined above, the variant was classified as VUS-possibly pathogenic.

Illumina Laboratory Services, Illumina
Classification: Pathogenic for Hypoalphalipoproteinemia, primary, 1. Last evaluated: 2018-10-08. Review status: criteria provided, single submitter. Criteria: ICSL Variant Classification Criteria 09 May 2019. Collection method: clinical testing. Allele origin: germline.
Comment: The ABCA1 c.5192C>G (p.Ser1731Cys) missense variant has been reported in four studies in which it is found in at least 25 individuals from six different French Canadian families affected with familial high density lipoprotein deficiency (Clee et al. 2001; Cohen et al. 2004; Alrasadi et al. 2006; Reddy et al. 2012). Many of the individuals with HDL-C levels in the fifth centile or below from these families were found to carry the p.Ser1731Cys variant. The variant has been reported in the literature almost exclusively in families of French Canadian heritage. The p.Ser1731Cys variant was absent from 387 total individuals from two different Canadian control populations and another 256 individuals in a control population from the Dallas Heart Study and is reported at a frequency of 0.000063 in the European (non-Finnish) population of the Genome Aggregation Database. The variant was not fully penetrant, and some families did include affected individuals who did not carry the variant (Alrasadi et al. 2006). In some families, the p.Ser1731Cys variant seems to be capable of causing disease in a dominant fashion with low penetrance on its own, but the pathogenic effect of this variant appears to be most pronounced in the presence of other alleles in other genes (Cohen et al. 2004). Functional studies demonstrated that cells transfected with the p.Ser1731Cys allele displayed a significant reduction in cholesterol efflux relative to wildtype ABCA1 (P<0.01), indicating that this variant significantly impairs ABCA1 function (Brunham et al., 2005). Based on the evidence, the p.Ser1731Cys variant is classified as pathogenic for familial high density lipoprotein deficiency. This variant was observed by ICSL as part of a predisposition screen in an ostensibly healthy population.

Illumina Laboratory Services, Illumina
Classification: Uncertain significance for Tangier disease. Last evaluated: 2017-04-27. Review status: criteria provided, single submitter. Criteria: ICSL Variant Classification Criteria 13 December 2019. Collection method: clinical testing. Allele origin: germline.

Literature cited by the submitters: PubMed 15297675 (cited by 3 submitters); PubMed 16343503 (cited by 3 submitters); PubMed 16429166 (cited by Ambry Genetics and Illumina Laboratory Services, Illumina); PubMed 17303779 (cited by Ambry Genetics and Women's Health and Genetics/Laboratory Corporation of America, LabCorp); PubMed 22923419 (cited by 3 submitters); PubMed 11238261 (cited by Women's Health and Genetics/Laboratory Corporation of America, LabCorp and Illumina Laboratory Services, Illumina); PubMed 32041611 (cited by Women's Health and Genetics/Laboratory Corporation of America, LabCorp).

NM_005502.4(ABCA1):c.5192C>G (p.Ser1731Cys)

Gene: ABCA1 (ATP binding cassette subfamily A member 1; minus strand). Cytogenetic location: 9q31.1.
Variant type: single nucleotide variant.
Coding change: c.5192C>G on transcript NM_005502.4 (MANE Select); coding-DNA position 5192, C replaced by G.
Protein change: p.Ser1731Cys; replaces serine 1731 with cysteine.
Molecular consequence: missense variant.
Genome position (GRCh38, 1-based): chr9:104,796,354, G>C on the plus strand (C>G on the coding strand, the complement: ABCA1 is on the minus strand). VCF-style: chr9-104796354-G-C. GRCh37 (hg19) VCF-style: chr9-107558635-G-C.
Other names: short protein forms S1731C.
Identifiers: ClinVar variation 632032 (VCV000632032.7), dbSNP rs760507032, ClinGen allele CA5167919.